The following is an entry in ClinVar:

ClinVar aggregate classification (germline): Uncertain significance. Review status: criteria provided, multiple submitters, no conflicts (2 of 4 stars). 4 submissions from 4 submitters: Uncertain significance (4). Last evaluated 2025-10-18.

Conditions:
Short-rib thoracic dysplasia 6 with or without polydactyly (SRTD6). Also called: Majewski Syndrome; SHORT-RIB THORACIC DYSPLASIA 6 WITH POLYDACTYLY; SHORT-RIB THORACIC DYSPLASIA 6 WITHOUT POLYDACTYLY; POLYDACTYLY WITH NEONATAL CHONDRODYSTROPHY, TYPE II; SHORT RIB-POLYDACTYLY SYNDROME, TYPE IIA. Identifiers: MedGen C0024507, MONDO:0009894, OMIM 263520.
Amyotrophic lateral sclerosis, susceptibility to, 24. Identifiers: MedGen C4693523, MONDO:0054750, OMIM 617892.
Inborn genetic diseases. Identifiers: MedGen C0950123, MeSH D030342.

Allele frequency attached by ClinVar (database versions not stated): gnomAD exomes 0.00001; gnomAD 0.00017; TOPMed 0.00040.
gnomAD v4.1: 49 of 1,595,092 alleles (0.0031%); highest among the groups gnomAD compares: Admixed American, 0.058%; no homozygotes.

Submissions (4):

Ambry Genetics
Classification: Uncertain significance for Inborn genetic diseases. Last evaluated: 2025-10-18. Review status: criteria provided, single submitter. Criteria: Ambry Variant Classification Scheme 2023. Collection method: clinical testing. Allele origin: germline.

Labcorp Genetics (formerly Invitae), Labcorp
Classification: Uncertain significance for Short-rib thoracic dysplasia 6 with or without polydactyly. Last evaluated: 2025-04-11. Review status: criteria provided, single submitter. Criteria: Invitae Variant Classification Sherloc (09022015). Collection method: clinical testing. Allele origin: germline.
Comment: This sequence change replaces alanine, which is neutral and non-polar, with glycine, which is neutral and non-polar, at codon 614 of the NEK1 protein (p.Ala614Gly). This variant is present in population databases (no rsID available, gnomAD 0.009%). This variant has not been reported in the literature in individuals affected with NEK1-related conditions. ClinVar contains an entry for this variant (Variation ID: 578956). Invitae Evidence Modeling of protein sequence and biophysical properties (such as structural, functional, and spatial information, amino acid conservation, physicochemical variation, residue mobility, and thermodynamic stability) has been performed for this missense variant. However, the output from this modeling did not meet the statistical confidence thresholds required to predict the impact of this variant on NEK1 protein function. In summary, the available evidence is currently insufficient to determine the role of this variant in disease. Therefore, it has been classified as a Variant of Uncertain Significance.

Blueprint Genetics
Classification: Uncertain significance. Last evaluated: 2023-02-17. Review status: criteria provided, single submitter. Criteria: ACMG Guidelines, 2015. Collection method: clinical testing. Allele origin: germline.

Fulgent Genetics
Classification: Uncertain significance for Short-rib thoracic dysplasia 6 with or without polydactyly; Amyotrophic lateral sclerosis, susceptibility to, 24. Last evaluated: 2018-10-31. Review status: criteria provided, single submitter. Criteria: ACMG Guidelines, 2015. Collection method: clinical testing. Allele origin: unknown.

NM_001199397.3(NEK1):c.1925C>G (p.Ala642Gly)

Gene: NEK1 (NIMA related kinase 1; minus strand). Cytogenetic location: 4q33.
Variant type: single nucleotide variant.
Coding change: c.1925C>G on transcript NM_001199397.3 (MANE Select); coding-DNA position 1925, C replaced by G.
Protein change: p.Ala642Gly; replaces alanine 642 with glycine.
Molecular consequence: missense variant. On other transcripts: non-coding transcript variant (1), intron variant (1).
Genome position (GRCh38, 1-based): chr4:169,507,119, G>C on the plus strand (C>G on the coding strand, the complement: NEK1 is on the minus strand). VCF-style: chr4-169507119-G-C. GRCh37 (hg19) VCF-style: chr4-170428270-G-C.
Other names: c.1793C>G, p.Ala598Gly (NM_001199398.3); c.1634C>G, p.Ala545Gly (NM_001199399.3); c.1709C>G, p.Ala570Gly (NM_001199400.3); c.1925C>G, p.Ala642Gly (NM_001374418.1); c.1841C>G, p.Ala614Gly (NM_001374419.1, NM_012224.4); c.1790C>G, p.Ala597Gly (NM_001374420.1); c.1701+596C>G (NM_001374421.1); short protein forms A614G, A642G, A545G, A598G, A570G, A597G.
Identifiers: ClinVar variation 578956 (VCV000578956.10), dbSNP rs529024280, ClinGen allele CA109906530.